The following is an entry in ClinVar:

NC_000005.9:g.(?_60186706)_(60199553_?)del

Gene: ERCC8 (ERCC excision repair 8, CSA ubiquitin ligase complex subunit; minus strand). Cytogenetic location: 5q12.1.
Variant type: Deletion.
Identifiers: ClinVar variation 2422322 (VCV002422322.4).

ClinVar aggregate classification (germline): Pathogenic (1 of 4 stars; one submission).

Submission:

Labcorp Genetics (formerly Invitae), Labcorp
Classification: Pathogenic. Last evaluated: 2022-04-06. Review status: criteria provided, single submitter. Criteria: Invitae Variant Classification Sherloc (09022015). Collection method: clinical testing. Allele origin: germline.
Comment: This variant is a gross deletion of the genomic region encompassing exon(s) 6-10 of the ERCC8 gene. This deletion is out-of-frame, and is expected to create a premature termination codon and result in an absent or disrupted protein product. Loss-of-function variants in ERCC8 are known to be pathogenic (PMID: 29572252). This variant has not been reported in the literature in individuals affected with ERCC8-related conditions. For these reasons, this variant has been classified as Pathogenic.

Literature cited by the submitters: PubMed 29572252.